The following is an entry in ClinVar:

NM_002109.6(HARS1):c.1183C>A (p.Gln395Lys)

Gene: HARS1 (histidyl-tRNA synthetase 1; minus strand). Cytogenetic location: 5q31.3.
Variant type: single nucleotide variant.
Coding change: c.1183C>A on transcript NM_002109.6 (MANE Select); coding-DNA position 1183, C replaced by A.
Protein change: p.Gln395Lys; replaces glutamine 395 with lysine.
Molecular consequence: missense variant.
Genome position (GRCh38, 1-based): chr5:140,676,665, G>T on the plus strand (C>A on the coding strand, the complement: HARS1 is on the minus strand). VCF-style: chr5-140676665-G-T. GRCh37 (hg19) VCF-style: chr5-140056250-G-T.
Other names: c.1063C>A, p.Gln355Lys (NM_001258040.3); c.1123C>A, p.Gln375Lys (NM_001258041.3); c.1003C>A, p.Gln335Lys (NM_001258042.3); c.961C>A, p.Gln321Lys (NM_001289092.2); c.841C>A, p.Gln281Lys (NM_001289093.2); c.1096C>A, p.Gln366Lys (NM_001289094.2); short protein forms Q281K, Q321K, Q335K, Q355K, Q366K, Q375K, Q395K.
Identifiers: ClinVar variation 1700978 (VCV001700978.2), dbSNP rs2149822616, ClinGen allele CA361250475.
Genomic context (GRCh38, chr5:140,676,665, plus strand): 5'-GGTGCCACCACCTGCTCAGACTATCTTCTACCTACCTCCTAGGACCTACCTCTAGTCTCT[G>T]TTCCACGATGGAGAAAATCCGCTCCACCCCAATGCTGAGCCCCACACATGGCACCTTGCG-3'
Protein context (NP_002100.2, residues 385-405): GVERIFSIVE[Gln395Lys]RLEALEEKIR

ClinVar aggregate classification (germline): Uncertain significance (1 of 4 stars; one submission).

Submission:

GeneDx
Classification: Uncertain significance. Last evaluated: 2022-02-09. Review status: criteria provided, single submitter. Criteria: GeneDx Variant Classification Process June 2021. Collection method: clinical testing. Allele origin: germline. Affected: yes.
Comment: Not observed at significant frequency in large population cohorts (gnomAD); In silico analysis supports that this missense variant does not alter protein structure/function; Has not been previously published as pathogenic or benign to our knowledge